The following is an entry in ClinVar:

ClinVar aggregate classification (germline): Uncertain significance (1 of 4 stars; one submission).

Conditions:
Perrault syndrome 6 (PRLTS6). Identifiers: MedGen C4479656, MONDO:0033047, OMIM 617565.

Submission:

Laboratorio de Genetica e Diagnostico Molecular, Hospital Israelita Albert Einstein
Classification: Uncertain significance for Perrault syndrome 6. Last evaluated: 2025-05-08. Review status: criteria provided, single submitter. Criteria: ACMG Guidelines, 2015. Collection method: clinical testing. Allele origin: germline. Affected: yes.
Comment: ACMG classification criteria: PM2 supporting, PP3 supporting

NM_005702.4(ERAL1):c.919A>T (p.Met307Leu)

Genes: ERAL1 (Era like 12S mitochondrial rRNA chaperone 1; plus strand), LOC126862526 (BRD4-independent group 4 enhancer GRCh37_chr17:27185111-27186310; plus strand). Cytogenetic location: 17q11.2.
Variant type: single nucleotide variant.
Coding change: c.919A>T on transcript NM_005702.4 (MANE Select); coding-DNA position 919, A replaced by T.
Protein change: p.Met307Leu; replaces methionine 307 with leucine.
Molecular consequence: missense variant. On other transcripts: intron variant (1).
Genome position (GRCh38, 1-based): chr17:28,858,783, A>T. VCF-style: chr17-28858783-A-T. GRCh37 (hg19) VCF-style: chr17-27185801-A-T.
Other names: c.916A>T, p.Met306Leu (NM_001317985.2); c.712-181A>T (NM_001317986.2); short protein forms M306L, M307L.
Identifiers: ClinVar variation 3901994 (VCV003901994.1).